The following is an entry in ClinVar:

ClinVar aggregate classification (germline): Conflicting classifications of pathogenicity. Review status: criteria provided, conflicting classifications (1 of 4 stars). 2 submissions from 2 submitters: Uncertain significance (1); Likely benign (1). Last evaluated 2023-04-20.

Conditions:
Neuronal ceroid lipofuscinosis 7 (CLN7). Also called: MFSD8-Related Neuronal Ceroid-Lipofuscinosis. Identifiers: Orphanet 168491, Orphanet 228366, MedGen C1838571, MONDO:0012588, OMIM 610951.

Allele frequency attached by ClinVar (database versions not stated): gnomAD exomes below 0.00001.

Submissions (2):

Duke University Health System Sequencing Clinic, Duke University Health System
Classification: Uncertain significance for Neuronal ceroid lipofuscinosis 7. Last evaluated: 2023-04-20. Review status: criteria provided, single submitter. Criteria: ACMG Guidelines, 2015. Collection method: research. Allele origin: paternal. Affected: yes.

GeneDx
Classification: Likely benign. Last evaluated: 2015-12-08. Review status: criteria provided, single submitter. Criteria: GeneDx Variant Classification (06012015). Collection method: clinical testing. Allele origin: germline. Affected: yes.
Comment: This variant is considered likely benign or benign based on one or more of the following criteria: it is a conservative change, it occurs at a poorly conserved position in the protein, it is predicted to be benign by multiple in silico algorithms, and/or has population frequency not consistent with disease.

Literature cited by the submitters: PubMed 28794409 (cited by Duke University Health System Sequencing Clinic, Duke University Health System).

NM_001371596.2(MFSD8):c.999G>A (p.Lys333=)

Gene: MFSD8 (major facilitator superfamily domain containing 8; minus strand). Cytogenetic location: 4q28.2.
Variant type: single nucleotide variant.
Coding change: c.999G>A on transcript NM_001371596.2 (MANE Select); coding-DNA position 999, G replaced by A.
Protein change: p.Lys333=; no amino-acid change (lysine 333 retained).
Molecular consequence: synonymous variant. On other transcripts: intron variant (1).
Genome position (GRCh38, 1-based): chr4:127,921,963, C>T on the plus strand (G>A on the coding strand, the complement: MFSD8 is on the minus strand). VCF-style: chr4-127921963-C-T. GRCh37 (hg19) VCF-style: chr4-128843118-C-T.
Other names: c.798G>A, p.Lys266= (NM_001363520.3); c.684G>A, p.Lys228= (NM_001363521.3); c.864G>A, p.Lys288= (NM_001371590.2); c.999G>A, p.Lys333= (NM_001371591.2, NM_152778.4); c.1005G>A, p.Lys335= (NM_001371592.2); c.885G>A, p.Lys295= (NM_001371593.2); c.852G>A, p.Lys284= (NM_001371594.2); c.717G>A, p.Lys239= (NM_001371595.1); and 2 more.
Identifiers: ClinVar variation 378137 (VCV000378137.5), dbSNP rs1057520312, ClinGen allele CA16605069.